The following is an entry in ClinVar:

NM_004006.3(DMD):c.1897A>T (p.Asn633Tyr)

Gene: DMD (dystrophin; minus strand). Cytogenetic location: Xp21.1.
Variant type: single nucleotide variant.
Coding change: c.1897A>T on transcript NM_004006.3 (MANE Select); coding-DNA position 1897, A replaced by T.
Protein change: p.Asn633Tyr; replaces asparagine 633 with tyrosine.
Molecular consequence: missense variant.
Genome position (GRCh38, 1-based): chrX:32,565,797, T>A on the plus strand (A>T on the coding strand, the complement: DMD is on the minus strand). VCF-style: chrX-32565797-T-A. GRCh37 (hg19) VCF-style: chrX-32583914-T-A.
Other names: c.1873A>T, p.Asn625Tyr (NM_000109.4); c.1885A>T, p.Asn629Tyr (NM_004009.3); c.1528A>T, p.Asn510Tyr (NM_004010.3); short protein forms N633Y, N625Y, N629Y, N510Y.
Identifiers: ClinVar variation 500664 (VCV000500664.11), dbSNP rs757047592, ClinGen allele CA10379689.

ClinVar aggregate classification (germline): Uncertain significance. Review status: criteria provided, multiple submitters, no conflicts (2 of 4 stars). 3 submissions from 3 submitters: Uncertain significance (2). 1 of the submissions does not count toward it. Last evaluated 2025-12-28.

Conditions:
Duchenne muscular dystrophy (DMD). Also called: MUSCULAR DYSTROPHY, PSEUDOHYPERTROPHIC PROGRESSIVE, DUCHENNE TYPE; Duchenne Muscular Dystrophy (DMD). Identifiers: Orphanet 98896, MedGen C0013264, MONDO:0010679, OMIM 310200.
Cardiomyopathy (CMYO). Also called: Cardiomyopathies. Identifiers: Orphanet 167848, MedGen C0878544, MONDO:0004994, HP:0001638. Inheritance: Various modes of inheritance.
Becker muscular dystrophy (BMD). Also called: MUSCULAR DYSTROPHY, PSEUDOHYPERTROPHIC PROGRESSIVE, BECKER TYPE; Becker Muscular Dystrophy (BMD). Identifiers: Orphanet 98895, MedGen C0917713, MONDO:0010311, OMIM 300376.
Dystrophin deficiency.

Allele frequency attached by ClinVar (database versions not stated): ExAC 0.00001; TOPMed 0.00003.
gnomAD v4.1: 13 of 1,209,001 alleles (0.0011%); highest among the groups gnomAD compares: Non-Finnish European, 0.0015%; no homozygotes.

Submissions (3):

Labcorp Genetics (formerly Invitae), Labcorp
Classification: Uncertain significance for Duchenne muscular dystrophy. Last evaluated: 2025-12-28. Review status: criteria provided, single submitter. Criteria: Invitae Variant Classification Sherloc (09022015). Collection method: clinical testing. Allele origin: germline.
Comment: This sequence change replaces asparagine, which is neutral and polar, with tyrosine, which is neutral and polar, at codon 633 of the DMD protein (p.Asn633Tyr). This variant is present in population databases (rs757047592, gnomAD 0.001%). This variant has not been reported in the literature in individuals affected with DMD-related conditions. ClinVar contains an entry for this variant (Variation ID: 500664). Invitae Evidence Modeling of protein sequence and biophysical properties (such as structural, functional, and spatial information, amino acid conservation, physicochemical variation, residue mobility, and thermodynamic stability) indicates that this missense variant is not expected to disrupt DMD protein function with a negative predictive value of 95%. In summary, the available evidence is currently insufficient to determine the role of this variant in disease. Therefore, it has been classified as a Variant of Uncertain Significance.

Eurofins Ntd Llc (ga)
Classification: Uncertain significance. Last evaluated: 2017-02-28. Review status: criteria provided, single submitter. Criteria: EGL Classification Definitions 2015. Collection method: clinical testing. Allele origin: germline. Observed: 1 variant allele, 1 heterozygote.

Natera, Inc.
Classification: Uncertain significance for Becker muscular dystrophy; Cardiomyopathy; Duchenne muscular dystrophy; Dystrophin deficiency. Last evaluated: 2019-05-20. Review status: no assertion criteria provided. Collection method: clinical testing. Allele origin: germline. Not counted in ClinVar's aggregate classification.